The following is an entry in ClinVar:

NM_005566.4(LDHA):c.244G>A (p.Asp82Asn)

Gene: LDHA (lactate dehydrogenase A; plus strand). Cytogenetic location: 11p15.1.
Variant type: single nucleotide variant.
Coding change: c.244G>A on transcript NM_005566.4 (MANE Select); coding-DNA position 244, G replaced by A.
Protein change: p.Asp82Asn; replaces aspartic acid 82 with asparagine.
Molecular consequence: missense variant.
Genome position (GRCh38, 1-based): chr11:18,399,548, G>A. VCF-style: chr11-18399548-G-A. GRCh37 (hg19) VCF-style: chr11-18421095-G-A.
Other names: c.244G>A, p.Val82Met (NM_001135239.2); c.331G>A, p.Asp111Asn (NM_001165414.2); c.244G>A, p.Asp82Asn (NM_001165415.2, NM_001165416.2); short protein forms D111N, D82N, V82M.
Identifiers: ClinVar variation 2137026 (VCV002137026.4), dbSNP rs2494611829, ClinGen allele CA379502694.

ClinVar aggregate classification (germline): Likely pathogenic (1 of 4 stars; one submission).

Conditions:
Glycogen storage disease due to lactate dehydrogenase M-subunit deficiency (GSD11). Also called: Glycogen storage disease XI; GSD XI; LACTATE DEHYDROGENASE A DEFICIENCY. Identifiers: Orphanet 284426, MedGen C2931743, MONDO:0013047, OMIM 612933.

Allele frequency attached by ClinVar (database versions not stated): gnomAD exomes below 0.00001.
gnomAD v4.1: 1 of 1,578,258 alleles (0.000063%); highest among the groups gnomAD compares: Non-Finnish European, 0.000087%; no homozygotes.

Submission:

Labcorp Genetics (formerly Invitae), Labcorp
Classification: Likely pathogenic for Glycogen storage disease due to lactate dehydrogenase M-subunit deficiency. Last evaluated: 2022-03-12. Review status: criteria provided, single submitter. Criteria: Invitae Variant Classification Sherloc (09022015). Collection method: clinical testing. Allele origin: germline.
Comment: In summary, the currently available evidence indicates that the variant is pathogenic, but additional data are needed to prove that conclusively. Therefore, this variant has been classified as Likely Pathogenic. Variants that disrupt the consensus splice site are a relatively common cause of aberrant splicing (PMID: 17576681, 9536098). Studies have shown that this missense change results in skipping of exon 3 and introduces a premature termination codon (PMID: 7944300). The resulting mRNA is expected to undergo nonsense-mediated decay. Algorithms developed to predict the effect of missense changes on protein structure and function are either unavailable or do not agree on the potential impact of this missense change (SIFT: "Tolerated"; PolyPhen-2: "Probably Damaging"; Align-GVGD: "Class C0"). This missense change has been observed in individual(s) with muscle lactate dehydrogenase deficiency (PMID: 7944300). This variant is not present in population databases (gnomAD no frequency). This sequence change replaces aspartic acid, which is acidic and polar, with asparagine, which is neutral and polar, at codon 82 of the LDHA protein (p.Asp82Asn). RNA analysis indicates that this missense change induces altered splicing and may result in an absent or disrupted protein product.

Literature cited by the submitters: PubMed 17576681; PubMed 9536098; PubMed 7944300.